The following is an entry in ClinVar:

ClinVar aggregate classification (germline): Likely benign. Review status: criteria provided, multiple submitters, no conflicts (2 of 4 stars). 2 submissions from 2 submitters: Likely benign (2). Last evaluated 2025-12-29.

Conditions:
SEMA3E-related disorder. Also called: SEMA3E-related condition.
CHARGE syndrome (CHARGE). Also called: Hittner Hirsch Kreh syndrome; CHARGE ASSOCIATION--COLOBOMA, HEART ANOMALY, CHOANAL ATRESIA, RETARDATION, GENITAL AND EAR ANOMALIES; Coloboma, heart anomaly, choanal atresia, retardation, genital and ear anomalies; CHARGE association; Hall-Hittner syndrome. Identifiers: Orphanet 138, MedGen C0265354, MONDO:0008965.

gnomAD v4.1: 1 of 1,613,570 alleles (0.000062%); highest among the groups gnomAD compares: Admixed American, 0.0017%; no homozygotes.

Submissions (2):

PreventionGenetics, part of Exact Sciences
Classification: Likely benign for SEMA3E-related condition. Last evaluated: 2025-12-29. Review status: criteria provided, single submitter. Criteria: ACMG Guidelines, 2015. Collection method: clinical testing. Allele origin: germline.
Comment: This variant is classified as likely benign based on ACMG/AMP sequence variant interpretation guidelines (Richards et al. 2015 PMID: 25741868, with internal and published modifications).

Labcorp Genetics (formerly Invitae), Labcorp
Classification: Likely benign for CHARGE syndrome. Last evaluated: 2024-01-31. Review status: criteria provided, single submitter. Criteria: Invitae Variant Classification Sherloc (09022015). Collection method: clinical testing. Allele origin: germline.

NM_012431.3(SEMA3E):c.670+8T>C

Gene: SEMA3E (semaphorin 3E; minus strand). Cytogenetic location: 7q21.11.
Variant type: single nucleotide variant.
Coding change: c.670+8T>C on transcript NM_012431.3 (MANE Select); 8 bases into the intron after coding-DNA position 670, T replaced by C.
Molecular consequence: intron variant.
Genome position (GRCh38, 1-based): chr7:83,408,360, A>G on the plus strand (T>C on the coding strand, the complement: SEMA3E is on the minus strand). VCF-style: chr7-83408360-A-G. GRCh37 (hg19) VCF-style: chr7-83037676-A-G.
Other names: c.670+8T>C (NM_012431.2); c.490+8T>C (NM_001178129.2).
Identifiers: ClinVar variation 3624133 (VCV003624133.3).
Genomic context (GRCh38, chr7:83,408,360, plus strand): 5'-GCAACATTTTCCGTAAGTTTTAGAGTTGATTTCAATCCTAATTCACATACTCTTTTCCTC[A>G]TCCTTACCTTTCAACAGACGCTCATCGTCATGCTCAGTGCGGATATGGGCCAGTCGCCCC-3'